The following is an entry in ClinVar:

ClinVar aggregate classification (germline): Uncertain significance (1 of 4 stars; one submission).

Conditions:
Epileptic encephalopathy. Identifiers: MedGen C0543888, HP:0200134.

Allele frequency attached by ClinVar (database versions not stated): gnomAD 0.00001; gnomAD exomes below 0.00001; TOPMed below 0.00001.
gnomAD v4.1: 7 of 1,612,304 alleles (0.00043%); highest among the groups gnomAD compares: Non-Finnish European, 0.00051%; no homozygotes.

Submission:

Labcorp Genetics (formerly Invitae), Labcorp
Classification: Uncertain significance for Epileptic encephalopathy. Last evaluated: 2022-06-27. Review status: criteria provided, single submitter. Criteria: Invitae Variant Classification Sherloc (09022015). Collection method: clinical testing. Allele origin: germline.
Comment: In summary, the available evidence is currently insufficient to determine the role of this variant in disease. Therefore, it has been classified as a Variant of Uncertain Significance. Algorithms developed to predict the effect of missense changes on protein structure and function are either unavailable or do not agree on the potential impact of this missense change (SIFT: "Deleterious"; PolyPhen-2: "Possibly Damaging"; Align-GVGD: "Class C0"). ClinVar contains an entry for this variant (Variation ID: 530988). This variant has not been reported in the literature in individuals affected with RYR3-related conditions. This variant is not present in population databases (gnomAD no frequency). This sequence change replaces aspartic acid, which is acidic and polar, with asparagine, which is neutral and polar, at codon 331 of the RYR3 protein (p.Asp331Asn).

NM_001036.6(RYR3):c.991G>A (p.Asp331Asn)

Gene: RYR3 (ryanodine receptor 3; plus strand). Cytogenetic location: 15q14.
Variant type: single nucleotide variant.
Coding change: c.991G>A on transcript NM_001036.6 (MANE Select); coding-DNA position 991, G replaced by A.
Protein change: p.Asp331Asn; replaces aspartic acid 331 with asparagine.
Molecular consequence: missense variant.
Genome position (GRCh38, 1-based): chr15:33,562,855, G>A. VCF-style: chr15-33562855-G-A. GRCh37 (hg19) VCF-style: chr15-33855056-G-A.
Other names: c.991G>A, p.Asp331Asn (NM_001243996.4); short protein forms D331N.
Identifiers: ClinVar variation 530988 (VCV000530988.10), dbSNP rs1488578809, ClinGen allele CA391564597.